The following is an entry in ClinVar:

ClinVar aggregate classification (germline): Pathogenic. Review status: criteria provided, multiple submitters, no conflicts (2 of 4 stars). 2 submissions from 2 submitters: Pathogenic (2). Last evaluated 2021-01-13.

Conditions:
Glycine encephalopathy. Also called: Non-ketotic hyperglycinemia; Nonketotic hyperglycinemia. Identifiers: Orphanet 407, MedGen C0751748, MONDO:0011612, HP:0008288.

Submissions (2):

Labcorp Genetics (formerly Invitae), Labcorp
Classification: Pathogenic for Glycine encephalopathy. Last evaluated: 2021-01-13. Review status: criteria provided, single submitter. Criteria: Invitae Variant Classification Sherloc (09022015). Collection method: clinical testing. Allele origin: germline.
Comment: For these reasons, this variant has been classified as Pathogenic. This variant has not been reported in the literature in individuals with AMT-related conditions. ClinVar contains an entry for this variant (Variation ID: 801971). This variant is not present in population databases (ExAC no frequency). This sequence change creates a premature translational stop signal (p.Pro303Leufs*10) in the AMT gene. It is expected to result in an absent or disrupted protein product. Loss-of-function variants in AMT are known to be pathogenic (PMID: 16450403).

Mendelics
Classification: Pathogenic for Glycine encephalopathy 1. Last evaluated: 2019-05-28. Review status: criteria provided, single submitter. Criteria: Mendelics Assertion Criteria 2017. Collection method: clinical testing. Allele origin: unknown.

Literature cited by the submitters: PubMed 16450403 (cited by Labcorp Genetics (formerly Invitae), Labcorp).

NM_000481.4(AMT):c.908del (p.Pro303fs)

Gene: AMT (aminomethyltransferase; minus strand). Cytogenetic location: 3p21.31.
Variant type: Deletion.
Coding change: c.908del on transcript NM_000481.4 (MANE Select); coding-DNA position 908, one base deleted (C; older notation c.908delC).
Protein change: p.Pro303fs; shifts the reading frame from proline 303.
Molecular consequence: frameshift variant. On other transcripts: non-coding transcript variant (1).
Genome position (GRCh38, 1-based): chr3:49,417,943, G deleted on the plus strand (C on the coding strand, the reverse complement: AMT is on the minus strand); the first of 3 consecutive G bases (chr3:49,417,943-49,417,945); deleting any one gives the same sequence. VCF-style (leftmost placement, unchanged base first): chr3-49417942-AG-A. GRCh37 (hg19) VCF-style: chr3-49455375-AG-A.
Other names: c.776del, p.Pro259fs (NM_001164710.2); c.740del, p.Pro247fs (NM_001164711.2); c.908del, p.Pro303fs (NM_001164712.2); short protein forms P247fs, P303fs, P259fs.
Identifiers: ClinVar variation 801971 (VCV000801971.6), dbSNP rs1575303218, ClinGen allele CA915942472.
Genomic context (GRCh38, chr3:49,417,942, plus strand): 5'-CAACCCCACACGCCTCCGCTGCACCCTGCCCTTCAGCTGGGGAACAATGACCTTGGCTCC[AG>A]GGAAGTCCATAGCAGCTCGGCGGCGCTTCCCTGGAGAATGACACATGAGACATAAGCCAC-3'